The following is an entry in ClinVar:

ClinVar aggregate classification (germline): Pathogenic/Likely pathogenic. Review status: criteria provided, multiple submitters, no conflicts (2 of 4 stars). 2 submissions from 2 submitters: Pathogenic (1); Likely pathogenic (1). Last evaluated 2024-07-11.

Conditions:
Inborn genetic diseases. Identifiers: MedGen C0950123, MeSH D030342.

Submissions (2):

Ambry Genetics
Classification: Likely pathogenic for Inborn genetic diseases. Last evaluated: 2024-07-11. Review status: criteria provided, single submitter. Criteria: Ambry Variant Classification Scheme 2023. Collection method: clinical testing. Allele origin: germline.
Comment: The c.3295+1G>C intronic alteration consists of a G to C substitution one nucleotide after Intron 14 (C) of the PKD1 gene. Alterations that disrupt the canonical splice site are expected to cause aberrant splicing, resulting in an abnormal protein or a transcript that is subject to nonsense-mediated mRNA decay. This variant was not reported in population-based cohorts in the Genome Aggregation Database (gnomAD). This variant was reported to segregate with disease in a family with features consistent with polycystic kidney disease; however, details were limited (McCluskey, 2002). This nucleotide position is highly conserved in available vertebrate species. In silico splice site analysis predicts that this alteration will weaken the native splice donor site and will result in the creation or strengthening of a novel splice donor site. Based on the available evidence, this alteration is classified as likely pathogenic.

GeneDx
Classification: Pathogenic. Last evaluated: 2022-08-15. Review status: criteria provided, single submitter. Criteria: GeneDx Variant Classification Process June 2021. Collection method: clinical testing. Allele origin: germline. Affected: yes.
Comment: Canonical splice site variant predicted to result in a null allele in a gene for which loss of function is a known mechanism of disease; Not observed at significant frequency in large population cohorts (gnomAD); This variant is associated with the following publications: (PMID: 25525159, 11857740)

Literature cited by the submitters: PubMed 11857740 (cited by Ambry Genetics).

NM_001009944.3(PKD1):c.3295+1G>C

Gene: PKD1 (polycystin 1, transient receptor potential channel interacting; minus strand). Cytogenetic location: 16p13.3.
Variant type: single nucleotide variant.
Coding change: c.3295+1G>C on transcript NM_001009944.3 (MANE Select); the canonical splice donor site of the intron after coding-DNA position 3295, G replaced by C.
Molecular consequence: splice donor variant.
Genome position (GRCh38, 1-based): chr16:2,112,339, C>G on the plus strand (G>C on the coding strand, the complement: PKD1 is on the minus strand). VCF-style: chr16-2112339-C-G. GRCh37 (hg19) VCF-style: chr16-2162340-C-G.
Other names: c.3295+1G>C (NM_000296.4, NM_000296.3).
Identifiers: ClinVar variation 2430563 (VCV002430563.2), dbSNP rs2092536130, ClinGen allele CA394383377.